The following is an entry in ClinVar:

NM_001256789.3(CACNA1F):c.3512G>C (p.Arg1171Pro)

Gene: CACNA1F (calcium voltage-gated channel subunit alpha1 F; minus strand). Cytogenetic location: Xp11.23.
Variant type: single nucleotide variant.
Coding change: c.3512G>C on transcript NM_001256789.3 (MANE Select); coding-DNA position 3512, G replaced by C.
Protein change: p.Arg1171Pro; replaces arginine 1171 with proline.
Molecular consequence: missense variant.
Genome position (GRCh38, 1-based): chrX:49,215,171, C>G on the plus strand (G>C on the coding strand, the complement: CACNA1F is on the minus strand). VCF-style: chrX-49215171-C-G. GRCh37 (hg19) VCF-style: chrX-49071631-C-G.
Other names: c.3350G>C, p.Arg1117Pro (NM_001256790.3); c.3545G>C, p.Arg1182Pro (NM_005183.4); short protein forms R1182P, R1171P, R1117P.
Identifiers: ClinVar variation 2874584 (VCV002874584.4), dbSNP rs781829718, ClinGen allele CA412963199.

ClinVar aggregate classification (germline): Uncertain significance. Review status: criteria provided, multiple submitters, no conflicts (2 of 4 stars). 2 submissions from 2 submitters: Uncertain significance (2). Last evaluated 2024-01-15.

gnomAD v4.1: 1 of 1,210,159 alleles (0.000083%); highest among the groups gnomAD compares: Non-Finnish European, 0.00011%; no homozygotes.

Submissions (2):

Blueprint Genetics
Classification: Uncertain significance. Last evaluated: 2024-01-15. Review status: criteria provided, single submitter. Criteria: ACMG Guidelines, 2015. Collection method: clinical testing. Allele origin: germline.

Labcorp Genetics (formerly Invitae), Labcorp
Classification: Uncertain significance. Last evaluated: 2022-12-31. Review status: criteria provided, single submitter. Criteria: Invitae Variant Classification Sherloc (09022015). Collection method: clinical testing. Allele origin: germline.
Comment: In summary, the available evidence is currently insufficient to determine the role of this variant in disease. Therefore, it has been classified as a Variant of Uncertain Significance. Advanced modeling of protein sequence and biophysical properties (such as structural, functional, and spatial information, amino acid conservation, physicochemical variation, residue mobility, and thermodynamic stability) performed at Invitae indicates that this missense variant is not expected to disrupt CACNA1F protein function. This variant is also known as R1171P. This missense change has been observed in individual(s) with congenital stationary night blindness (PMID: 12111638). This variant is not present in population databases (gnomAD no frequency). This sequence change replaces arginine, which is basic and polar, with proline, which is neutral and non-polar, at codon 1182 of the CACNA1F protein (p.Arg1182Pro).

Literature cited by the submitters: PubMed 12111638 (cited by Labcorp Genetics (formerly Invitae), Labcorp).